The following is an entry in ClinVar:

NM_031471.6(FERMT3):c.1448C>G (p.Pro483Arg)

Gene: FERMT3 (FERM domain containing kindlin 3; plus strand). Cytogenetic location: 11q13.1.
Variant type: single nucleotide variant.
Coding change: c.1448C>G on transcript NM_031471.6 (MANE Select); coding-DNA position 1448, C replaced by G.
Protein change: p.Pro483Arg; replaces proline 483 with arginine.
Molecular consequence: missense variant.
Genome position (GRCh38, 1-based): chr11:64,220,572, C>G. VCF-style: chr11-64220572-C-G. GRCh37 (hg19) VCF-style: chr11-63988044-C-G.
Other names: c.1448C>G, p.Pro483Arg (NM_001382361.1, NM_001382448.1); c.1460C>G, p.Pro487Arg (NM_001382362.1, NM_178443.3); c.908C>G, p.Pro303Arg (NM_001382363.1); c.920C>G, p.Pro307Arg (NM_001382364.1); short protein forms P303R, P307R, P487R, P483R.
Identifiers: ClinVar variation 2107123 (VCV002107123.4), dbSNP rs561391251, ClinGen allele CA223845913.

ClinVar aggregate classification (germline): Uncertain significance (1 of 4 stars; one submission).

Conditions:
Leukocyte adhesion deficiency 3. Also called: Leukocyte adhesion deficiency, type III; INTEGRIN ACTIVATION DEFICIENCY DISEASE; LEUKOCYTE ADHESION DEFICIENCY 1 VARIANT. Identifiers: Orphanet 2968, Orphanet 99844, MedGen C2748536, MONDO:0013016, OMIM 612840.

Submission:

Labcorp Genetics (formerly Invitae), Labcorp
Classification: Uncertain significance for Leukocyte adhesion deficiency 3. Last evaluated: 2022-10-13. Review status: criteria provided, single submitter. Criteria: Invitae Variant Classification Sherloc (09022015). Collection method: clinical testing. Allele origin: germline.
Comment: In summary, the available evidence is currently insufficient to determine the role of this variant in disease. Therefore, it has been classified as a Variant of Uncertain Significance. Advanced modeling of protein sequence and biophysical properties (such as structural, functional, and spatial information, amino acid conservation, physicochemical variation, residue mobility, and thermodynamic stability) performed at Invitae indicates that this missense variant is not expected to disrupt FERMT3 protein function. This variant has not been reported in the literature in individuals affected with FERMT3-related conditions. This variant is not present in population databases (gnomAD no frequency). This sequence change replaces proline, which is neutral and non-polar, with arginine, which is basic and polar, at codon 483 of the FERMT3 protein (p.Pro483Arg).